The following is an entry in ClinVar:

NM_001008216.2(GALE):c.449C>T (p.Thr150Met)

Gene: GALE (UDP-galactose-4-epimerase; minus strand). Cytogenetic location: 1p36.11.
Variant type: single nucleotide variant.
Coding change: c.449C>T on transcript NM_001008216.2 (MANE Select); coding-DNA position 449, C replaced by T.
Protein change: p.Thr150Met; replaces threonine 150 with methionine.
Molecular consequence: missense variant.
Genome position (GRCh38, 1-based): chr1:23,797,774, G>A on the plus strand (C>T on the coding strand, the complement: GALE is on the minus strand). VCF-style: chr1-23797774-G-A. GRCh37 (hg19) VCF-style: chr1-24124264-G-A.
Other names: p.Thr150Met; c.449C>T, p.Thr150Met (NM_000403.4, NM_001127621.2); short protein forms T150M.
Identifiers: ClinVar variation 1029823 (VCV001029823.10), dbSNP rs765353795, ClinGen allele CA685665.
Genomic context (GRCh38, chr1:23,797,774, plus strand): 5'-TCCCGGATCATTTCCTCGATGAAGAACTTGGACTTGCCGTAAGGGTTGGTACAACCACCC[G>A]TGGGGTGGGCCTCATCAAGGGGCAGGTACTGGGGGTTCCCGTACACAGTGGCTGAGCTGC-3'
Protein context (NP_001008217.1, residues 140-160): QYLPLDEAHP[Thr150Met]GGCTNPYGKS

ClinVar aggregate classification (germline): Pathogenic/Likely pathogenic. Review status: criteria provided, multiple submitters, no conflicts (2 of 4 stars). 4 submissions from 4 submitters: Pathogenic (2); Likely pathogenic (1). 1 of the submissions does not count toward it. Last evaluated 2023-12-22.

Conditions:
UDPglucose-4-epimerase deficiency. Also called: Galactose epimerase deficiency; Epimerase Deficiency Galactosemia; UDP-GALACTOSE-4-EPIMERASE DEFICIENCY; GALACTOSEMIA III; GALE DEFICIENCY; UDPglucose 4-Epimerase Deficiency Disease. Identifiers: Orphanet 352, Orphanet 79238, MedGen C0751161, MONDO:0009257, OMIM 230350.
Thrombocytopenia 13, syndromic. Also called: THROMBOCYTOPENIA, AUTOSOMAL RECESSIVE, 13. Identifiers: MedGen C5935599, MONDO:0958333, OMIM 620776.

Allele frequency attached by ClinVar (database versions not stated): gnomAD 0.00001 and 0.00002; gnomAD exomes 0.00002 and 0.00009; TOPMed 0.00002; ExAC 0.00015.
gnomAD v4.1: 29 of 1,613,744 alleles (0.0018%); highest among the groups gnomAD compares: Admixed American, 0.033%; no homozygotes.

Submissions (4):

Labcorp Genetics (formerly Invitae), Labcorp
Classification: Pathogenic for UDPglucose-4-epimerase deficiency. Last evaluated: 2023-12-22. Review status: criteria provided, single submitter. Criteria: Invitae Variant Classification Sherloc (09022015). Collection method: clinical testing. Allele origin: germline.
Comment: This sequence change replaces threonine, which is neutral and polar, with methionine, which is neutral and non-polar, at codon 150 of the GALE protein (p.Thr150Met). This variant is present in population databases (rs765353795, gnomAD 0.05%). This missense change has been observed in individual(s) with GALE-related conditions (PMID: 16385452, 34448047, 36056436, 36395340). In at least one individual the data is consistent with being in trans (on the opposite chromosome) from a pathogenic variant. It has also been observed to segregate with disease in related individuals. ClinVar contains an entry for this variant (Variation ID: 1029823). Advanced modeling of protein sequence and biophysical properties (such as structural, functional, and spatial information, amino acid conservation, physicochemical variation, residue mobility, and thermodynamic stability) performed at Invitae indicates that this missense variant is not expected to disrupt GALE protein function with a negative predictive value of 80%. Experimental studies have shown that this missense change affects GALE function (PMID: 36395340). For these reasons, this variant has been classified as Pathogenic.

Women's Health and Genetics/Laboratory Corporation of America, LabCorp
Classification: Pathogenic for UDPglucose-4-epimerase deficiency. Last evaluated: 2023-04-24. Review status: criteria provided, single submitter. Criteria: LabCorp Variant Classification Summary - May 2015. Collection method: clinical testing. Allele origin: germline.
Comment: Variant summary: GALE c.449C>T (p.Thr150Met) results in a non-conservative amino acid change located in the NAD(P)-binding domain (IPR016040) of the encoded protein sequence. Four of five in-silico tools predict a damaging effect of the variant on protein function. The variant allele was found at a frequency of 8.7e-05 in 251470 control chromosomes (gnomAD). This frequency is not significantly higher than estimated for a pathogenic variant in GALE causing UDPglucose-4-Epimerase Deficiency (8.7e-05 vs 0.0011), allowing no conclusion about variant significance. c.449C>T has been reported in the literature as a biallelic genotype in multiple individuals affected with UDPglucose-4-Epimerase Deficiency (Openo_2006, Derks_2022, Perea-Romero_2021). These data indicate that the variant is very likely to be associated with disease. Experimental evaluations of the variant protein have shown contradictory effects of the variant on protein function: protein lysates from lymphoblastoid cell lines generated from a homozygous patient showed 30% residual activity (Openo_2006). However, in a yeast complementation assay, the variant protein could rescue galactose metabolism to levels comparable to cultures rescued with WT protein (Chhay_2008). Three ClinVar submitters have assessed the variant since 2014: two classified the variant as uncertain significance and one as likely pathogenic. Based on the evidence outlined above, the variant was classified as pathogenic.

Molecular Diagnostics Laboratory, M Health Fairview: University of Minnesota
Classification: Likely pathogenic for UDPglucose-4-epimerase deficiency. Last evaluated: 2022-06-29. Review status: criteria provided, single submitter. Criteria: ACMG Guidelines, 2015. Collection method: clinical testing. Allele origin: germline. Affected: yes.

OMIM
Classification: Pathogenic for THROMBOCYTOPENIA 13, SYNDROMIC. Last evaluated: 2024-04-05. Review status: no assertion criteria provided. Collection method: literature only. Allele origin: germline. Not counted in ClinVar's aggregate classification.

Literature cited by the submitters: PubMed 16385452 (cited by Labcorp Genetics (formerly Invitae), Labcorp and Women's Health and Genetics/Laboratory Corporation of America, LabCorp); PubMed 34448047 (cited by Labcorp Genetics (formerly Invitae), Labcorp and Women's Health and Genetics/Laboratory Corporation of America, LabCorp); PubMed 36056436 (cited by Labcorp Genetics (formerly Invitae), Labcorp and Women's Health and Genetics/Laboratory Corporation of America, LabCorp); PubMed 36395340 (cited by Labcorp Genetics (formerly Invitae), Labcorp and OMIM); PubMed 18188677 (cited by Women's Health and Genetics/Laboratory Corporation of America, LabCorp); PubMed 34159722 (cited by Women's Health and Genetics/Laboratory Corporation of America, LabCorp and OMIM).